The following is an entry in ClinVar:

ClinVar aggregate classification (germline): Benign/Likely benign. Review status: criteria provided, multiple submitters, no conflicts (2 of 4 stars). 3 submissions from 3 submitters: Benign (2); Likely benign (1). Last evaluated 2026-02-04.

Allele frequency attached by ClinVar (database versions not stated): TOPMed 0.00002; 1000 Genomes Project 30x 0.00016; gnomAD exomes 0.00021 and 0.00044; gnomAD 0.00050 and 0.00054; ExAC 0.00060.
gnomAD v4.1: 374 of 1,605,078 alleles (0.023%); highest among the groups gnomAD compares: Non-Finnish European, 0.0038%; 1 homozygote.

Submissions (3):

Women's Health and Genetics/Laboratory Corporation of America, LabCorp
Classification: Likely benign. Last evaluated: 2026-02-04. Review status: criteria provided, single submitter. Criteria: LabCorp Variant Classification Summary - May 2015. Collection method: clinical testing. Allele origin: germline.
Comment: Variant summary: MYH14 c.5909A>C (p.Asp1970Ala) results in a non-conservative amino acid change in the encoded protein sequence. Algorithms developed to predict the effect of missense changes on protein structure and function are either unavailable or do not agree on the potential impact of this missense change. The variant allele was found at a frequency of 0.00023 in 1605078 control chromosomes, predominantly at a frequency of 3.8e-05 within the Non-Finnish European subpopulation in the gnomAD database. The observed variant frequency within Non-Finnish European control individuals in the gnomAD database exceeds the estimated maximal expected allele frequency for disease-causing variants in MYH14. To our knowledge, no occurrence of c.5909A>C in individuals affected with MYH14-related conditions and no experimental evidence demonstrating its impact on protein function have been reported. ClinVar contains an entry for this variant (Variation ID: 1581328). Based on the evidence outlined above, the variant was classified as likely benign.

Labcorp Genetics (formerly Invitae), Labcorp
Classification: Benign. Last evaluated: 2024-10-16. Review status: criteria provided, single submitter. Criteria: Invitae Variant Classification Sherloc (09022015). Collection method: clinical testing. Allele origin: germline.

Mayo Clinic Laboratories, Mayo Clinic
Classification: Benign. Last evaluated: 2022-07-14. Review status: criteria provided, single submitter. Criteria: ACMG Guidelines, 2015. Collection method: clinical testing. Allele origin: germline. Observed: 2 variant alleles.
Comment: BS1, BS2

NM_001145809.2(MYH14):c.6032A>C (p.Asp2011Ala)

Gene: MYH14 (myosin heavy chain 14; plus strand). Cytogenetic location: 19q13.33.
Variant type: single nucleotide variant.
Coding change: c.6032A>C on transcript NM_001145809.2 (MANE Select); coding-DNA position 6032, A replaced by C.
Protein change: p.Asp2011Ala; replaces aspartic acid 2011 with alanine.
Molecular consequence: missense variant.
Genome position (GRCh38, 1-based): chr19:50,309,711, A>C. VCF-style: chr19-50309711-A-C. GRCh37 (hg19) VCF-style: chr19-50812968-A-C.
Other names: p.Asp1970Ala; c.5909A>C (NM_024729.3); c.5933A>C, p.Asp1978Ala (NM_001077186.2); c.5909A>C, p.Asp1970Ala (NM_024729.4); short protein forms D1970A, D1978A, D2011A.
Identifiers: ClinVar variation 1581328 (VCV001581328.10), dbSNP rs200291489, ClinGen allele CA9593989.